The following is an entry in ClinVar:

ClinVar aggregate classification (germline): Uncertain significance. Review status: criteria provided, multiple submitters, no conflicts (2 of 4 stars). 5 submissions from 4 submitters: Uncertain significance (5). Last evaluated 2024-05-29.

Conditions:
Autosomal dominant nonsyndromic hearing loss 22. Also called: DFNA 22; Autosomal dominant nonsyndromic deafness 22. Identifiers: Orphanet 228012, MedGen C2931767, MONDO:0011660, OMIM 606346.
Autosomal recessive nonsyndromic hearing loss 37. Identifiers: Orphanet 90636, MedGen C1843028, MONDO:0011912, OMIM 607821.

Allele frequency attached by ClinVar (database versions not stated): gnomAD exomes 0.00002; ExAC 0.00004; gnomAD 0.00004 and 0.00005; TOPMed 0.00004; ESP Exome Variant Server 0.00008.
gnomAD v4.1: 45 of 1,613,306 alleles (0.0028%); highest among the groups gnomAD compares: African/African-American, 0.0067%; no homozygotes.

Submissions (5):

Pittsburgh Clinical Genomics Laboratory, University of Pittsburgh Medical Center
Classification: Uncertain significance for Autosomal dominant nonsyndromic hearing loss 22. Last evaluated: 2024-05-29. Review status: criteria provided, single submitter. Criteria: ACMG Guidelines, 2015. Collection method: clinical testing. Allele origin: germline. Inheritance: Autosomal unknown. Affected: yes.
Comment: This sequence variant is a single nucleotide substitution (G>A) at position 3029 of the coding sequence of the MYO6 gene that results in an arginine to glutamine amino acid change at residue 1010 of the myosin VI protein. The 1010 residue falls in the motif interacting with ubiquitin domain (PMID: 26971995). This is a previously reported variant (ClinVar 911845) that has been observed in individuals affected by non-syndromic deafness (PMID: 23767834) or age-related hearing loss (PMID: 36788145). This variant is present in 45 of 1,1613,306 alleles (0.003%) in the gnomAD v4.1.0 population dataset. Multiple bioinformatic tools provide conflicting predictions concerning this amino acid change though the Arg1010 residue at this position is highly conserved across the vertebrate species examined. Studies examining the functional consequence of this variant have not been published, to our knowledge. At this time, there is insufficient evidence to determine if this variant is pathogenic or benign. Therefore, we consider this a variant of uncertain significance. ACMG Criteria: PM2

Labcorp Genetics (formerly Invitae), Labcorp
Classification: Uncertain significance. Last evaluated: 2024-04-18. Review status: criteria provided, single submitter. Criteria: Invitae Variant Classification Sherloc (09022015). Collection method: clinical testing. Allele origin: germline.
Comment: This sequence change replaces arginine, which is basic and polar, with glutamine, which is neutral and polar, at codon 1010 of the MYO6 protein (p.Arg1010Gln). This variant is present in population databases (rs374966499, gnomAD 0.004%). This variant has not been reported in the literature in individuals affected with MYO6-related conditions. ClinVar contains an entry for this variant (Variation ID: 911845). Advanced modeling of protein sequence and biophysical properties (such as structural, functional, and spatial information, amino acid conservation, physicochemical variation, residue mobility, and thermodynamic stability) performed at Invitae indicates that this missense variant is not expected to disrupt MYO6 protein function with a negative predictive value of 80%. In summary, the available evidence is currently insufficient to determine the role of this variant in disease. Therefore, it has been classified as a Variant of Uncertain Significance.

Blueprint Genetics
Classification: Uncertain significance. Last evaluated: 2023-01-27. Review status: criteria provided, single submitter. Criteria: ACMG Guidelines, 2015. Collection method: clinical testing. Allele origin: germline.

Illumina Laboratory Services, Illumina
Classification: Uncertain significance for Autosomal dominant nonsyndromic hearing loss 22. Last evaluated: 2018-01-12. Review status: criteria provided, single submitter. Criteria: ICSL Variant Classification Criteria 13 December 2019. Collection method: clinical testing. Allele origin: germline.

Illumina Laboratory Services, Illumina
Classification: Uncertain significance for Autosomal recessive nonsyndromic hearing loss 37. Last evaluated: 2018-01-12. Review status: criteria provided, single submitter. Criteria: ICSL Variant Classification Criteria 13 December 2019. Collection method: clinical testing. Allele origin: germline.

Literature cited by the submitters: PubMed 26971995 (cited by Pittsburgh Clinical Genomics Laboratory, University of Pittsburgh Medical Center); PubMed 23767834 (cited by Pittsburgh Clinical Genomics Laboratory, University of Pittsburgh Medical Center); PubMed 36788145 (cited by Pittsburgh Clinical Genomics Laboratory, University of Pittsburgh Medical Center).

NM_004999.4(MYO6):c.3029G>A (p.Arg1010Gln)

Gene: MYO6 (myosin VI; plus strand). Cytogenetic location: 6q14.1.
Variant type: single nucleotide variant.
Coding change: c.3029G>A on transcript NM_004999.4 (MANE Select); coding-DNA position 3029, G replaced by A.
Protein change: p.Arg1010Gln; replaces arginine 1010 with glutamine.
Molecular consequence: missense variant. On other transcripts: non-coding transcript variant (1).
Genome position (GRCh38, 1-based): chr6:75,892,612, G>A. VCF-style: chr6-75892612-G-A. GRCh37 (hg19) VCF-style: chr6-76602329-G-A.
Other names: c.3029G>A, p.Arg1010Gln (NM_001300899.2, NM_001368136.1, NM_001368137.1 and 2 more transcripts); c.3014G>A, p.Arg1005Gln (NM_001368138.1); short protein forms R1005Q, R1010Q.
Identifiers: ClinVar variation 911845 (VCV000911845.8), dbSNP rs374966499, ClinGen allele CA3897526.